The following is an entry in ClinVar:

ClinVar aggregate classification (germline): Pathogenic. Review status: criteria provided, multiple submitters, no conflicts (2 of 4 stars). 4 submissions from 4 submitters: Pathogenic (4). Last evaluated 2026-02-10.

Conditions:
Familial multiple polyposis syndrome (FAP). Also called: Classic familial adenomatous polyposis; Familial adenomatous polyposis; Familial intestinal polyposis; Familial polyposis; Familial Adenomatous Polyposis (FAP). Identifiers: Orphanet 733, MedGen C0032580, MONDO:0021055. Disease mechanism: loss of function.
Familial adenomatous polyposis 1 (FAP1). Also called: FAMILIAL ADENOMATOUS POLYPOSIS 1, ATTENUATED; POLYPOSIS, ADENOMATOUS INTESTINAL. Identifiers: MedGen C2713442, MONDO:0021056, OMIM 175100. Disease mechanism: loss of function.
Hereditary cancer-predisposing syndrome. Also called: Tumor predisposition; Hereditary Cancer Syndrome; Neoplastic Syndromes, Hereditary; Hereditary neoplastic syndrome. Identifiers: Orphanet 140162, MedGen C0027672, MeSH D009386, MONDO:0015356.

Submissions (4):

Myriad Genetics, Inc.
Classification: Pathogenic for Familial adenomatous polyposis 1. Last evaluated: 2026-02-10. Review status: criteria provided, single submitter. Criteria: Myriad Autosomal Dominant, Autosomal Recessive and X-Linked Classification Criteria (2023). Collection method: clinical testing. Allele origin: unknown.
Comment: This variant is considered pathogenic. This variant creates a frameshift predicted to result in premature protein truncation.

Women's Health and Genetics/Laboratory Corporation of America, LabCorp
Classification: Pathogenic for Familial multiple polyposis syndrome. Last evaluated: 2025-02-27. Review status: criteria provided, single submitter. Criteria: LabCorp Variant Classification Summary - May 2015. Collection method: clinical testing. Allele origin: germline.
Comment: Variant summary: APC c.2790_2791delinsGTGT (p.His931CysfsX25) results in a premature termination codon, predicted to cause a truncation of the encoded protein which is a commonly known mechanism for disease. Variants downstream of this position have been classified as pathogenic by our laboratory and others in ClinVar, supporting the critical relevance of this region to APC function. The variant was absent in 250828 control chromosomes. To our knowledge, no occurrence of c.2790_2791delinsGTGT in individuals affected with Familial Adenomatous Polyposis and no experimental evidence demonstrating its impact on protein function have been reported. ClinVar contains an entry for this variant (Variation ID: 469772). Based on the evidence outlined above, the variant was classified as pathogenic.

Ambry Genetics
Classification: Pathogenic for Hereditary cancer-predisposing syndrome. Last evaluated: 2024-06-05. Review status: criteria provided, single submitter. Criteria: Ambry Variant Classification Scheme 2023. Collection method: clinical testing. Allele origin: germline.
Comment: The c.2790_2791delACinsGTGT pathogenic mutation, located in coding exon 15 of the APC gene, results from the deletion of two nucleotides and insertion of 4 nucleotides causing a translational frameshift with a predicted alternate stop codon (p.H931Cfs*25). This alteration occurs at the 3' terminus of theAPC gene, is not expected to trigger nonsense-mediated mRNA decay, and only impacts the last 67% of the protein. However, premature stop codons are typically deleterious in nature and a significant portion of the protein is affected (Ambry internal data). This variant is considered to be rare based on population cohorts in the Genome Aggregation Database (gnomAD). This alteration is expected to result in loss of function by premature protein truncation or nonsense-mediated mRNA decay. As such, this alteration is interpreted as a disease-causing mutation.

Labcorp Genetics (formerly Invitae), Labcorp
Classification: Pathogenic for Familial adenomatous polyposis 1. Last evaluated: 2018-05-03. Review status: criteria provided, single submitter. Criteria: Invitae Variant Classification Sherloc (09022015). Collection method: clinical testing. Allele origin: germline.
Comment: This sequence change results in a premature translational stop signal in the APC geneÂ¬â€ (p.His931Cysfs*25). While this is not anticipated to result in nonsense mediated decay,Â¬â€ it is expected to result in a truncated APC protein by removing 1887 amino acid residues (~66%) from the full length protein. This variant is not present in population databases (ExAC no frequency). This variant has not been reported in the literature in individuals with APC-related disease. ClinVar contains an entry for this variant (Variation ID: 469772). A different truncation (p.Asn1979Thrfs*64) that lies downstream of this variant has been determined to be pathogenic (PMID: 9824584, 20434453, 26681312).Â¬â€ This suggests that deletion of this region of the APC protein is causative of disease. For these reasons, this variant has been classified as Pathogenic.

Literature cited by the submitters: PubMed 9824584 (cited by Labcorp Genetics (formerly Invitae), Labcorp); PubMed 26681312 (cited by Labcorp Genetics (formerly Invitae), Labcorp); PubMed 20434453 (cited by Labcorp Genetics (formerly Invitae), Labcorp).

NM_000038.6(APC):c.2790_2791delinsGTGT (p.His931fs)

Gene: APC (APC regulator of Wnt signaling pathway; plus strand). Cytogenetic location: 5q22.2.
Variant type: Indel.
Coding change: c.2790_2791delinsGTGT on transcript NM_000038.6 (MANE Select); coding-DNA positions 2790 to 2791, AC replaced by GTGT.
Protein change: p.His931fs; shifts the reading frame from histidine 931.
Molecular consequence: frameshift variant.
Genome position (GRCh38, 1-based): chr5:112,838,384-112,838,385, AC replaced by GTGT. VCF-style: chr5-112838384-AC-GTGT. GRCh37 (hg19) VCF-style: chr5-112174081-AC-GTGT.
Other names: c.2790_2791delinsGTGT, p.His931fs (NM_001127510.3, NM_001354895.2); c.2736_2737delinsGTGT, p.His913fs (NM_001127511.3); c.2844_2845delinsGTGT, p.His949fs (NM_001354896.2); c.2820_2821delinsGTGT, p.His941fs (NM_001354897.2); c.2715_2716delinsGTGT, p.His906fs (NM_001354898.2); c.2706_2707delinsGTGT, p.His903fs (NM_001354899.2); c.2667_2668delinsGTGT, p.His890fs (NM_001354900.2); c.2613_2614delinsGTGT, p.His872fs (NM_001354901.2); and 5 more; short protein forms H830fs, H890fs, H648fs, H771fs, H941fs, H840fs, H903fs, H906fs.
Identifiers: ClinVar variation 469772 (VCV000469772.6), dbSNP rs1554084454, ClinGen allele CA658655990.